The following is an entry in ClinVar:

ClinVar aggregate classification (germline): Uncertain significance. Review status: criteria provided, multiple submitters, no conflicts (2 of 4 stars). 5 submissions from 5 submitters: Uncertain significance (5). Last evaluated 2025-07-25.

Conditions:
Inborn genetic diseases. Identifiers: MedGen C0950123, MeSH D030342.
Congenital stationary night blindness 1C. Also called: Night blindness, congenital stationary (complete), 1C, autosomal recessive. Identifiers: Orphanet 215, MedGen C2750747, MONDO:0013183, OMIM 613216.
TRPM1-related disorder. Also called: TRPM1-related condition.

Allele frequency attached by ClinVar (database versions not stated): gnomAD 0.00001; TOPMed 0.00002; ESP Exome Variant Server 0.00008.
gnomAD v4.1: 52 of 1,614,112 alleles (0.0032%); highest among the groups gnomAD compares: Middle Eastern, 0.016%; no homozygotes.

Submissions (5):

PreventionGenetics, part of Exact Sciences
Classification: Uncertain significance for TRPM1-related condition. Last evaluated: 2025-07-25. Review status: criteria provided, single submitter. Criteria: ACMG Guidelines, 2015. Collection method: clinical testing. Allele origin: germline.
Comment: The TRPM1 c.2320G>A variant is predicted to result in the amino acid substitution p.Asp774Asn. To our knowledge, this variant has not been reported in the literature. This variant is reported in 0.0057% of alleles in individuals of Latino descent in gnomAD. At this time, the clinical significance of this variant is uncertain due to the absence of conclusive functional and genetic evidence.

Labcorp Genetics (formerly Invitae), Labcorp
Classification: Uncertain significance. Last evaluated: 2025-03-24. Review status: criteria provided, single submitter. Criteria: Invitae Variant Classification Sherloc (09022015). Collection method: clinical testing. Allele origin: germline.
Comment: This sequence change replaces aspartic acid, which is acidic and polar, with asparagine, which is neutral and polar, at codon 735 of the TRPM1 protein (p.Asp735Asn). This variant is present in population databases (rs369155075, gnomAD 0.006%). This variant has not been reported in the literature in individuals affected with TRPM1-related conditions. ClinVar contains an entry for this variant (Variation ID: 886384). Invitae Evidence Modeling of protein sequence and biophysical properties (such as structural, functional, and spatial information, amino acid conservation, physicochemical variation, residue mobility, and thermodynamic stability) has been performed for this missense variant. However, the output from this modeling did not meet the statistical confidence thresholds required to predict the impact of this variant on TRPM1 protein function. In summary, the available evidence is currently insufficient to determine the role of this variant in disease. Therefore, it has been classified as a Variant of Uncertain Significance.

Ambry Genetics
Classification: Uncertain significance for Inborn genetic diseases. Last evaluated: 2024-08-19. Review status: criteria provided, single submitter. Criteria: Ambry Variant Classification Scheme 2023. Collection method: clinical testing. Allele origin: germline.

Blueprint Genetics
Classification: Uncertain significance. Last evaluated: 2021-11-10. Review status: criteria provided, single submitter. Criteria: ACMG Guidelines, 2015. Collection method: clinical testing. Allele origin: germline.

Illumina Laboratory Services, Illumina
Classification: Uncertain significance for Congenital stationary night blindness 1C. Last evaluated: 2018-01-13. Review status: criteria provided, single submitter. Criteria: ICSL Variant Classification Criteria 13 December 2019. Collection method: clinical testing. Allele origin: germline.

NM_001252024.2(TRPM1):c.2269G>A (p.Asp757Asn)

Gene: TRPM1 (transient receptor potential cation channel subfamily M member 1; minus strand). Cytogenetic location: 15q13.3.
Variant type: single nucleotide variant.
Coding change: c.2269G>A on transcript NM_001252024.2 (MANE Select); coding-DNA position 2269, G replaced by A.
Protein change: p.Asp757Asn; replaces aspartic acid 757 with asparagine.
Molecular consequence: missense variant.
Genome position (GRCh38, 1-based): chr15:31,040,165, C>T on the plus strand (G>A on the coding strand, the complement: TRPM1 is on the minus strand). VCF-style: chr15-31040165-C-T. GRCh37 (hg19) VCF-style: chr15-31332368-C-T.
Other names: c.2320G>A, p.Asp774Asn (NM_001252020.2); c.2203G>A, p.Asp735Asn (NM_002420.6); c.2320G>A (NM_001252020.1); c.2203G>A (NM_002420.4); short protein forms D774N, D735N, D757N.
Identifiers: ClinVar variation 886384 (VCV000886384.16), dbSNP rs369155075, ClinGen allele CA7452277.